The following is an entry in ClinVar:

NM_015629.4(PRPF31):c.261G>A (p.Ala87=)

Genes: PRPF31 (pre-mRNA processing factor 31; plus strand), PRPF31-AS1 (PRPF31 antisense RNA 1; minus strand). Cytogenetic location: 19q13.42.
Variant type: single nucleotide variant.
Coding change: c.261G>A on transcript NM_015629.4 (MANE Select); coding-DNA position 261, G replaced by A.
Protein change: p.Ala87=; no amino-acid change (alanine 87 retained).
Molecular consequence: synonymous variant.
Genome position (GRCh38, 1-based): chr19:54,121,882, G>A. VCF-style: chr19-54121882-G-A. GRCh37 (hg19) VCF-style: chr19-54625261-G-A.
Other names: c.261G>A (NM_015629.3).
Identifiers: ClinVar variation 1643452 (VCV001643452.11), dbSNP rs373831294, ClinGen allele CA309323459.

ClinVar aggregate classification (germline): Likely benign. Review status: criteria provided, multiple submitters, no conflicts (2 of 4 stars). 4 submissions from 4 submitters: Likely benign (4). Last evaluated 2025-11-28.

Conditions:
PRPF31-related disorder. Also called: PRPF31-related condition.

Allele frequency attached by ClinVar (database versions not stated): gnomAD 0.00002 and 0.00003; TOPMed 0.00002; gnomAD exomes 0.00004; ESP Exome Variant Server 0.00008; ExAC 0.00009.
gnomAD v4.1: 58 of 1,612,184 alleles (0.0036%); highest among the groups gnomAD compares: Middle Eastern, 0.26%; no homozygotes.

Submissions (4):

Labcorp Genetics (formerly Invitae), Labcorp
Classification: Likely benign. Last evaluated: 2025-11-28. Review status: criteria provided, single submitter. Criteria: Invitae Variant Classification Sherloc (09022015). Collection method: clinical testing. Allele origin: germline.

PreventionGenetics, part of Exact Sciences
Classification: Likely benign for PRPF31-related condition. Last evaluated: 2025-03-19. Review status: criteria provided, single submitter. Criteria: ACMG Guidelines, 2015. Collection method: clinical testing. Allele origin: germline.
Comment: This variant is classified as likely benign based on ACMG/AMP sequence variant interpretation guidelines (Richards et al. 2015 PMID: 25741868, with internal and published modifications).

Blueprint Genetics
Classification: Likely benign. Last evaluated: 2023-11-23. Review status: criteria provided, single submitter. Criteria: ACMG Guidelines, 2015. Collection method: clinical testing. Allele origin: germline.

Breakthrough Genomics
Classification: Likely benign. Review status: criteria provided, single submitter. Criteria: ACMG Guidelines, 2015. Collection method: not provided. Allele origin: germline. Inheritance: Autosomal dominant inheritance. Affected: yes.